The following is an entry in ClinVar:

NM_018109.4(MTPAP):c.810A>G (p.Gln270=)

Gene: MTPAP (mitochondrial poly(A) polymerase; minus strand). Cytogenetic location: 10p11.23.
Variant type: single nucleotide variant.
Coding change: c.810A>G on transcript NM_018109.4 (MANE Select); coding-DNA position 810, A replaced by G.
Protein change: p.Gln270=; no amino-acid change (glutamine 270 retained).
Molecular consequence: synonymous variant.
Genome position (GRCh38, 1-based): chr10:30,326,606, T>C on the plus strand (A>G on the coding strand, the complement: MTPAP is on the minus strand). VCF-style: chr10-30326606-T-C. GRCh37 (hg19) VCF-style: chr10-30615535-T-C.
Identifiers: ClinVar variation 1912054 (VCV001912054.5), dbSNP rs943878913, ClinGen allele CA205274007.
Genomic context (GRCh38, chr10:30,326,606, plus strand): 5'-CTCTCCTAACACAGACAGGATCTTCTGAGTTGCAATTCTTTCTGAAGGAACATTTTTCAC[T>C]TGAAATTCCATCAGAAAATTTCCTGAGATCTGAAAAATAAACACATTTCTAAATAGGAGC-3'
Protein context (NP_060579.3, residues 260-280): KISGNFLMEF[Gln270=]VKNVPSERIA

ClinVar aggregate classification (germline): Uncertain significance (1 of 4 stars; one submission).

Allele frequency attached by ClinVar (database versions not stated): gnomAD exomes below 0.00001.

Submission:

Labcorp Genetics (formerly Invitae), Labcorp
Classification: Uncertain significance. Last evaluated: 2022-05-28. Review status: criteria provided, single submitter. Criteria: Invitae Variant Classification Sherloc (09022015). Collection method: clinical testing. Allele origin: germline.
Comment: In summary, the available evidence is currently insufficient to determine the role of this variant in disease. Therefore, it has been classified as a Variant of Uncertain Significance. Algorithms developed to predict the effect of sequence changes on RNA splicing suggest that this variant may create or strengthen a splice site. This variant has not been reported in the literature in individuals affected with MTPAP-related conditions. This variant is not present in population databases (gnomAD no frequency). This sequence change affects codon 270 of the MTPAP mRNA. It is a 'silent' change, meaning that it does not change the encoded amino acid sequence of the MTPAP protein.